The following is an entry in ClinVar:

ClinVar aggregate classification (germline): Uncertain significance. Review status: criteria provided, multiple submitters, no conflicts (2 of 4 stars). 5 submissions from 5 submitters: Uncertain significance (5). Last evaluated 2026-04-24.

Conditions:
MCPH1-related disorder. Also called: MCPH1-related condition.
Inborn genetic diseases. Identifiers: MedGen C0950123, MeSH D030342.
Microcephaly 1, primary, autosomal recessive (MCPH1). Also called: PREMATURE CHROMOSOME CONDENSATION SYNDROME; PCC SYNDROME; PREMATURE CHROMOSOME CONDENSATION WITH MICROCEPHALY AND MENTAL RETARDATION. Identifiers: Orphanet 2512, MedGen C1855081, MONDO:0009617, OMIM 251200.

Allele frequency attached by ClinVar (database versions not stated): gnomAD 0.00010; TOPMed 0.00011.
gnomAD v4.1: 67 of 1,614,038 alleles (0.0042%); highest among the groups gnomAD compares: Admixed American, 0.095%; no homozygotes.

Submissions (5):

PreventionGenetics, part of Exact Sciences
Classification: Uncertain significance for MCPH1-related condition. Last evaluated: 2026-04-24. Review status: criteria provided, single submitter. Criteria: ACMG Guidelines, 2015. Collection method: clinical testing. Allele origin: germline.
Comment: The MCPH1 c.1186C>A variant is predicted to result in the amino acid substitution p.His396Asn. To our knowledge, this variant has not been reported in the literature. This variant is reported in 0.12% of alleles in individuals of Latino descent in gnomAD. At this time, the clinical significance of this variant is uncertain due to the absence of conclusive functional and genetic evidence.

Ambry Genetics
Classification: Uncertain significance for Inborn genetic diseases. Last evaluated: 2023-10-25. Review status: criteria provided, single submitter. Criteria: Ambry Variant Classification Scheme 2023. Collection method: clinical testing. Allele origin: germline.

Labcorp Genetics (formerly Invitae), Labcorp
Classification: Uncertain significance. Last evaluated: 2022-08-22. Review status: criteria provided, single submitter. Criteria: Invitae Variant Classification Sherloc (09022015). Collection method: clinical testing. Allele origin: germline.
Comment: This sequence change replaces histidine, which is basic and polar, with asparagine, which is neutral and polar, at codon 396 of the MCPH1 protein (p.His396Asn). This variant is present in population databases (rs201128010, gnomAD 0.1%). This variant has not been reported in the literature in individuals affected with MCPH1-related conditions. ClinVar contains an entry for this variant (Variation ID: 211444). Algorithms developed to predict the effect of missense changes on protein structure and function are either unavailable or do not agree on the potential impact of this missense change (SIFT: "Not Available"; PolyPhen-2: "Benign"; Align-GVGD: "Not Available"). In summary, the available evidence is currently insufficient to determine the role of this variant in disease. Therefore, it has been classified as a Variant of Uncertain Significance.

Fulgent Genetics
Classification: Uncertain significance for Microcephaly 1, primary, autosomal recessive. Last evaluated: 2018-10-31. Review status: criteria provided, single submitter. Criteria: ACMG Guidelines, 2015. Collection method: clinical testing. Allele origin: unknown.

Genetic Services Laboratory, University of Chicago
Classification: Uncertain significance. Last evaluated: 2015-04-22. Review status: criteria provided, single submitter. Criteria: ACMG Guidelines, 2015. Collection method: clinical testing. Allele origin: germline.

NM_024596.5(MCPH1):c.1186C>A (p.His396Asn)

Gene: MCPH1 (microcephalin 1; plus strand). Cytogenetic location: 8p23.1.
Variant type: single nucleotide variant.
Coding change: c.1186C>A on transcript NM_024596.5 (MANE Select); coding-DNA position 1186, C replaced by A.
Protein change: p.His396Asn; replaces histidine 396 with asparagine.
Molecular consequence: missense variant. On other transcripts: non-coding transcript variant (1).
Genome position (GRCh38, 1-based): chr8:6,444,908, C>A. VCF-style: chr8-6444908-C-A. GRCh37 (hg19) VCF-style: chr8-6302429-C-A.
Other names: c.1186C>A, p.His396Asn (NM_001172574.2, NM_001322042.2, NM_001363979.1 and 1 more transcripts); c.1042C>A, p.His348Asn (NM_001172575.2); c.1180C>A, p.His394Asn (NM_001322043.2); c.1084C>A, p.His362Asn (NM_001322045.2); c.1186C>A (NM_001322042.1); short protein forms H396N, H362N, H348N, H394N.
Identifiers: ClinVar variation 211444 (VCV000211444.13), dbSNP rs201128010, ClinGen allele CA207533.